The following is an entry in ClinVar:

ClinVar aggregate classification (germline): Uncertain significance (1 of 4 stars; one submission).

gnomAD v4.1: 181 of 1,172,478 alleles (0.015%); highest among the groups gnomAD compares: Non-Finnish European, 0.019%; no homozygotes.

Submission:

Women's Health and Genetics/Laboratory Corporation of America, LabCorp
Classification: Uncertain significance. Last evaluated: 2026-03-02. Review status: criteria provided, single submitter. Criteria: LabCorp Variant Classification Summary - May 2015. Collection method: clinical testing. Allele origin: germline.
Comment: Variant summary: DRP2 c.-19C>A is located in the untranslated mRNA region upstream of the initiation codon. The variant allele was found at a frequency of 8.2e-05 in 183254 control chromosomes. This frequency is not significantly higher than estimated for disease-causing variants in DRP2, allowing no conclusion about variant significance. To our knowledge, no occurrence of c.-19C>A in individuals affected with DRP2-related conditions and no experimental evidence demonstrating its impact on protein function have been reported. No submitters have cited clinical-significance assessments for this variant to ClinVar. Based on the evidence outlined above, the variant was classified as uncertain significance.

NM_001939.3(DRP2):c.-19C>A

Gene: DRP2 (dystrophin related protein 2; plus strand). Cytogenetic location: Xq22.1.
Variant type: single nucleotide variant.
Coding change: c.-19C>A on transcript NM_001939.3 (MANE Select); 19 bases upstream of the start codon, C replaced by A.
Molecular consequence: 5 prime UTR variant. On other transcripts: intron variant (1).
Genome position (GRCh38, 1-based): chrX:101,231,629, C>A. VCF-style: chrX-101231629-C-A. GRCh37 (hg19) VCF-style: chrX-100486618-C-A.
Other names: c.-117-4231C>A (NM_001171184.2).
Identifiers: ClinVar variation 4847576 (VCV004847576.1).